The following is an entry in ClinVar:

ClinVar aggregate classification (germline): Uncertain significance (1 of 4 stars; one submission).

Submission:

Labcorp Genetics (formerly Invitae), Labcorp
Classification: Uncertain significance. Last evaluated: 2021-02-17. Review status: criteria provided, single submitter. Criteria: Invitae Variant Classification Sherloc (09022015). Collection method: clinical testing. Allele origin: germline.
Comment: This sequence change replaces proline with leucine at codon 131 of the ZNF469 protein (p.Pro131Leu). The proline residue is moderately conserved and there is a moderate physicochemical difference between proline and leucine. The frequency data for this variant in the population databases is considered unreliable, as metrics indicate insufficient coverage at this position in the ExAC database. In summary, the available evidence is currently insufficient to determine the role of this variant in disease. Therefore, it has been classified as a Variant of Uncertain Significance. Algorithms developed to predict the effect of missense changes on protein structure and function are either unavailable or do not agree on the potential impact of this missense change (SIFT: "Deleterious"; PolyPhen-2: "Benign"; Align-GVGD: "Class C0"). This variant has not been reported in the literature in individuals with ZNF469-related conditions.

NM_001367624.2(ZNF469):c.392C>T (p.Pro131Leu)

Gene: ZNF469 (zinc finger protein 469; plus strand). Cytogenetic location: 16q24.2.
Variant type: single nucleotide variant.
Coding change: c.392C>T on transcript NM_001367624.2 (MANE Select); coding-DNA position 392, C replaced by T.
Protein change: p.Pro131Leu; replaces proline 131 with leucine.
Molecular consequence: missense variant.
Genome position (GRCh38, 1-based): chr16:88,427,862, C>T. VCF-style: chr16-88427862-C-T. GRCh37 (hg19) VCF-style: chr16-88494270-C-T.
Other names: short protein forms P131L.
Identifiers: ClinVar variation 1461930 (VCV001461930.8), dbSNP rs1905797262, ClinGen allele CA397059505.